The following is an entry in ClinVar:

NM_006186.4(NR4A2):c.21G>A (p.Gln7=)

Gene: NR4A2 (nuclear receptor subfamily 4 group A member 2; minus strand). Cytogenetic location: 2q24.1.
Variant type: single nucleotide variant.
Coding change: c.21G>A on transcript NM_006186.4 (MANE Select); coding-DNA position 21, G replaced by A.
Protein change: p.Gln7=; no amino-acid change (glutamine 7 retained).
Molecular consequence: synonymous variant. On other transcripts: intron variant (1).
Genome position (GRCh38, 1-based): chr2:156,330,166, C>T on the plus strand (G>A on the coding strand, the complement: NR4A2 is on the minus strand). VCF-style: chr2-156330166-C-T. GRCh37 (hg19) VCF-style: chr2-157186678-C-T.
Other names: c.-13-156G>A (NM_173173.3).
Identifiers: ClinVar variation 5039954 (VCV005039954.1).

ClinVar aggregate classification (germline): Likely benign (1 of 4 stars; one submission).

gnomAD v4.1: 7 of 1,614,166 alleles (0.00043%); highest among the groups gnomAD compares: South Asian, 0.0077%; 1 homozygote.

Submission:

CeGaT Center for Human Genetics Tuebingen
Classification: Likely benign. Last evaluated: 2026-06-01. Review status: criteria provided, single submitter. Criteria: CeGaT Center For Human Genetics Tuebingen Variant Classification Criteria Version 2. Collection method: clinical testing. Allele origin: germline. Affected: yes. Observed: 1 variant allele.
Comment: NR4A2: BP4, BS2